The following is an entry in ClinVar:

NM_005026.5(PIK3CD):c.510G>T (p.Gln170His)

Gene: PIK3CD (phosphatidylinositol-4,5-bisphosphate 3-kinase catalytic subunit delta; plus strand). Cytogenetic location: 1p36.22.
Variant type: single nucleotide variant.
Coding change: c.510G>T on transcript NM_005026.5 (MANE Select); coding-DNA position 510, G replaced by T.
Protein change: p.Gln170His; replaces glutamine 170 with histidine.
Molecular consequence: missense variant.
Genome position (GRCh38, 1-based): chr1:9,715,988, G>T. VCF-style: chr1-9715988-G-T. GRCh37 (hg19) VCF-style: chr1-9776046-G-T.
Other names: c.510G>T, p.Gln170His (NM_001350234.2, NM_001350235.1); short protein forms Q170H.
Identifiers: ClinVar variation 1318640 (VCV001318640.2), dbSNP rs2100846719, ClinGen allele CA338300782.

ClinVar aggregate classification (germline): Uncertain significance (1 of 4 stars; one submission).

Submission:

GeneDx
Classification: Uncertain significance. Last evaluated: 2020-01-18. Review status: criteria provided, single submitter. Criteria: GeneDx Variant Classification Process June 2021. Collection method: clinical testing. Allele origin: germline. Affected: yes.
Comment: Has not been previously published as pathogenic or benign to our knowledge; Not observed in large population cohorts (Lek et al., 2016); In silico analysis, which includes protein predictors and evolutionary conservation, supports that this variant does not alter protein structure/function